The following is an entry in ClinVar:

NM_000531.6(OTC):c.520G>A (p.Ala174Thr)

Gene: OTC (ornithine transcarbamylase; plus strand). Cytogenetic location: Xp11.4.
Variant type: single nucleotide variant.
Coding change: c.520G>A on transcript NM_000531.6 (MANE Select); coding-DNA position 520, G replaced by A.
Protein change: p.Ala174Thr; replaces alanine 174 with threonine.
Molecular consequence: missense variant.
Genome position (GRCh38, 1-based): chrX:38,401,408, G>A. VCF-style: chrX-38401408-G-A. GRCh37 (hg19) VCF-style: chrX-38260661-G-A.
Other names: short protein forms A174T.
Identifiers: ClinVar variation 426470 (VCV000426470.13), dbSNP rs72556281, ClinGen allele CA412723969.

ClinVar aggregate classification (germline): Uncertain significance. Review status: criteria provided, multiple submitters, no conflicts (2 of 4 stars). 5 submissions from 5 submitters: Uncertain significance (5). Last evaluated 2024-07-29.

Conditions:
Ornithine carbamoyltransferase deficiency (OTCD). Also called: ORNITHINE TRANSCARBAMYLASE DEFICIENCY; Ornithine Carbamoyltransferase Deficiency Disease; OTC DEFICIENCY; ORNITHINE TRANSCARBAMYLASE DEFICIENCY, HYPERAMMONEMIA DUE TO. Identifiers: Orphanet 664, MedGen C0268542, MONDO:0010703, OMIM 311250.

Allele frequency attached by ClinVar (database versions not stated): gnomAD 0.00001; gnomAD exomes 0.00001; TOPMed 0.00001.
gnomAD v4.1: 8 of 1,205,605 alleles (0.00066%); highest among the groups gnomAD compares: Non-Finnish European, 0.0009%; no homozygotes.

Submissions (5):

All of Us Research Program, National Institutes of Health
Classification: Uncertain significance for Ornithine carbamoyltransferase deficiency. Last evaluated: 2024-07-29. Review status: criteria provided, single submitter. Criteria: ACMG Guidelines, 2015. Collection method: clinical testing. Allele origin: germline. Inheritance: X-linked inheritance. Observed: 1 variant allele, 1 heterozygote.
Comment: This missense variant replaces alanine with threonine at codon 174 of the OTC protein. Computational prediction suggests that this variant may have deleterious impact on protein structure and function. To our knowledge, functional studies have not been reported for this variant. This variant has not been reported in individuals affected with OTC-related disorders in the literature. This variant has not been identified in the general population by the Genome Aggregation Database (gnomAD). The available evidence is insufficient to determine the role of this variant in disease conclusively. Therefore, this variant is classified as a Variant of Uncertain Significance.

This study involves interpretation of variants in research participants for the purpose of population health screening. Participant phenotype was not available at the time of variant classification. Additional details can be found in publication PMID: 35346344, PMCID: PMC8962531

Fulgent Genetics
Classification: Uncertain significance for Ornithine carbamoyltransferase deficiency. Last evaluated: 2022-05-17. Review status: criteria provided, single submitter. Criteria: ACMG Guidelines, 2015. Collection method: clinical testing. Allele origin: unknown.

Genome-Nilou Lab
Classification: Uncertain significance for Ornithine carbamoyltransferase deficiency. Last evaluated: 2021-11-07. Review status: criteria provided, single submitter. Criteria: ACMG Guidelines, 2015. Collection method: clinical testing. Allele origin: germline. Affected: no.

ARUP Laboratories, Molecular Genetics and Genomics, ARUP Laboratories
Classification: Uncertain significance. Last evaluated: 2017-12-14. Review status: criteria provided, single submitter. Criteria: ARUP Molecular Germline Variant Investigation Process. Collection method: clinical testing. Allele origin: germline.

GeneDx
Classification: Uncertain significance. Last evaluated: 2017-04-14. Review status: criteria provided, single submitter. Criteria: GeneDx Variant Classification (06012015). Collection method: clinical testing. Allele origin: germline. Affected: yes.
Comment: The A174T variant in the OTC gene has not been reported previously as a pathogenic variant, nor as a benign variant, to our knowledge. However, no enzymatic studies were performed to confirm a diagnosis of OTC deficiency (Tsai et al., 1993). The A174T variant is not observed in large population cohorts (Lek et al., 2016; 1000 Genomes Consortium et al., 2015; Exome Variant Server). The A174T variant is a non-conservative amino acid substitution, which is likely to impact secondary protein structure as these residues differ in polarity, charge, size and/or other properties. This substitution occurs at a position that is conserved across species, and in silico analysis predicts this variant is probably damaging to the protein structure/function. We interpret A174T as a variant of uncertain significance."